The following is an entry in ClinVar:

ClinVar aggregate classification (germline): Uncertain significance (1 of 4 stars; one submission).

Conditions:
Idiopathic generalized epilepsy. Also called: EIG; Generalised epilepsy. Identifiers: MedGen C0270850, MONDO:0005579, OMIM 600669.
Hyperaldosteronism, familial, type IV (HALD4). Also called: FH IV; ALDOSTERONISM, PRIMARY, AND HYPERTENSION. Identifiers: Orphanet 642671, MedGen C4310756, MONDO:0014875, OMIM 617027.

Submission:

Labcorp Genetics (formerly Invitae), Labcorp
Classification: Uncertain significance for Idiopathic generalized epilepsy; Hyperaldosteronism, familial, type IV. Last evaluated: 2023-10-28. Review status: criteria provided, single submitter. Criteria: Invitae Variant Classification Sherloc (09022015). Collection method: clinical testing. Allele origin: germline.
Comment: This sequence change replaces glutamic acid, which is acidic and polar, with aspartic acid, which is acidic and polar, at codon 1047 of the CACNA1H protein (p.Glu1047Asp). This variant is not present in population databases (gnomAD no frequency). This variant has not been reported in the literature in individuals affected with CACNA1H-related conditions. Advanced modeling of protein sequence and biophysical properties (such as structural, functional, and spatial information, amino acid conservation, physicochemical variation, residue mobility, and thermodynamic stability) performed at Invitae indicates that this missense variant is not expected to disrupt CACNA1H protein function with a negative predictive value of 80%. In summary, the available evidence is currently insufficient to determine the role of this variant in disease. Therefore, it has been classified as a Variant of Uncertain Significance.

NM_021098.3(CACNA1H):c.3141A>T (p.Glu1047Asp)

Gene: CACNA1H (calcium voltage-gated channel subunit alpha1 H; plus strand). Cytogenetic location: 16p13.3.
Variant type: single nucleotide variant.
Coding change: c.3141A>T on transcript NM_021098.3 (MANE Select); coding-DNA position 3141, A replaced by T.
Protein change: p.Glu1047Asp; replaces glutamic acid 1047 with aspartic acid.
Molecular consequence: missense variant.
Genome position (GRCh38, 1-based): chr16:1,207,847, A>T. VCF-style: chr16-1207847-A-T. GRCh37 (hg19) VCF-style: chr16-1257847-A-T.
Other names: c.3141A>T, p.Glu1047Asp (NM_001005407.2); short protein forms E1047D.
Identifiers: ClinVar variation 2953369 (VCV002953369.3), dbSNP rs529555668, ClinGen allele CA394171451.